The following is an entry in ClinVar:

ClinVar aggregate classification (germline): Likely benign (0 of 4 stars; one submission).

Conditions:
ITGA9-related disorder. Also called: ITGA9-related condition.

Allele frequency attached by ClinVar (database versions not stated): 1000 Genomes Project 30x 0.00062; ESP Exome Variant Server 0.00077; 1000 Genomes Project 0.00080; gnomAD 0.00115; TOPMed 0.00117.
gnomAD v4.1: 334 of 1,613,056 alleles (0.021%); highest among the groups gnomAD compares: African/African-American, 0.42%; 2 homozygotes.

Submission:

PreventionGenetics, part of Exact Sciences
Classification: Likely benign for ITGA9-related condition. Last evaluated: 2019-05-20. Review status: no assertion criteria provided. Collection method: clinical testing. Allele origin: germline.
Comment: This variant is classified as likely benign based on ACMG/AMP sequence variant interpretation guidelines (Richards et al. 2015 PMID: 25741868, with internal and published modifications).

NM_002207.3(ITGA9):c.1710C>T (p.Ile570=)

Gene: ITGA9 (integrin subunit alpha 9; plus strand). Cytogenetic location: 3p22.2.
Variant type: single nucleotide variant.
Coding change: c.1710C>T on transcript NM_002207.3 (MANE Select); coding-DNA position 1710, C replaced by T.
Protein change: p.Ile570=; no amino-acid change (isoleucine 570 retained).
Molecular consequence: synonymous variant.
Genome position (GRCh38, 1-based): chr3:37,629,207, C>T. VCF-style: chr3-37629207-C-T. GRCh37 (hg19) VCF-style: chr3-37670698-C-T.
Identifiers: ClinVar variation 3039131 (VCV003039131.2), dbSNP rs145334938, ClinGen allele CA2310909.